The following is an entry in ClinVar:

NM_020778.5(ALPK3):c.2458G>C (p.Gly820Arg)

Gene: ALPK3 (alpha kinase 3; plus strand). Cytogenetic location: 15q25.3.
Variant type: single nucleotide variant.
Coding change: c.2458G>C on transcript NM_020778.5 (MANE Select); coding-DNA position 2458, G replaced by C.
Protein change: p.Gly820Arg; replaces glycine 820 with arginine.
Molecular consequence: missense variant.
Genome position (GRCh38, 1-based): chr15:84,857,196, G>C. VCF-style: chr15-84857196-G-C. GRCh37 (hg19) VCF-style: chr15-85400427-G-C.
Other names: short protein forms G820R.
Identifiers: ClinVar variation 2756974 (VCV002756974.3), dbSNP rs1963874506, ClinGen allele CA393357222.
Genomic context (GRCh38, chr15:84,857,196, plus strand): 5'-CTCCCAGCACAGCCGCCCCATGAGGGGAGTGTGGAGCAGGTGGGAGGAGAGAGATGCCGA[G>C]GGCCACAGTCATCAGGCCCAGTCGAGGCCAAGCAGGAGGACAGCCCGTTCCAGTGCCCCA-3'
Protein context (NP_065829.4, residues 810-830): VEQVGGERCR[Gly820Arg]PQSSGPVEAK

ClinVar aggregate classification (germline): Uncertain significance (1 of 4 stars; one submission).

Submission:

Labcorp Genetics (formerly Invitae), Labcorp
Classification: Uncertain significance. Last evaluated: 2023-06-02. Review status: criteria provided, single submitter. Criteria: Invitae Variant Classification Sherloc (09022015). Collection method: clinical testing. Allele origin: germline.
Comment: In summary, the available evidence is currently insufficient to determine the role of this variant in disease. Therefore, it has been classified as a Variant of Uncertain Significance. Algorithms developed to predict the effect of missense changes on protein structure and function output the following: SIFT: "Not Available"; PolyPhen-2: "Benign"; Align-GVGD: "Not Available". The arginine amino acid residue is found in multiple mammalian species, which suggests that this missense change does not adversely affect protein function. This variant has not been reported in the literature in individuals affected with ALPK3-related conditions. This variant is not present in population databases (gnomAD no frequency). This sequence change replaces glycine, which is neutral and non-polar, with arginine, which is basic and polar, at codon 1022 of the ALPK3 protein (p.Gly1022Arg).